The following is an entry in ClinVar:

NM_177924.5(ASAH1):c.177C>G (p.Tyr59Ter)

Gene: ASAH1 (N-acylsphingosine amidohydrolase 1; minus strand). Cytogenetic location: 8p22.
Variant type: single nucleotide variant.
Coding change: c.177C>G on transcript NM_177924.5 (MANE Select); coding-DNA position 177, C replaced by G.
Protein change: p.Tyr59Ter; replaces tyrosine 59 with a stop codon.
Molecular consequence: nonsense. On other transcripts: 5 prime UTR variant (1).
Genome position (GRCh38, 1-based): chr8:18,071,339, G>C on the plus strand (C>G on the coding strand, the complement: ASAH1 is on the minus strand). VCF-style: chr8-18071339-G-C. GRCh37 (hg19) VCF-style: chr8-17928848-G-C.
Other names: c.246C>G, p.Tyr82Ter (NM_001127505.3); c.-19C>G (NM_001363743.2); c.225C>G, p.Tyr75Ter (NM_004315.6); short protein forms Y75*, Y82*, Y59*.
Identifiers: ClinVar variation 812470 (VCV000812470.3), dbSNP rs766395283, ClinGen allele CA370433961.

ClinVar aggregate classification (germline): Pathogenic/Likely pathogenic. Review status: criteria provided, multiple submitters, no conflicts (2 of 4 stars). 2 submissions from 2 submitters: Pathogenic (1); Likely pathogenic (1). Last evaluated 2024-06-04.

Conditions:
Spinal muscular atrophy-progressive myoclonic epilepsy syndrome. Also called: Spinal muscular atrophy with progressive myoclonic epilepsy; Spinal Muscular Atrophy with Progressive Myoclonic Epilepsy (SMA-PME); MYOCLONUS, HEREDITARY, WITH PROGRESSIVE DISTAL MUSCULAR ATROPHY; Hereditary myoclonus and progressive distal muscular atrophy. Identifiers: Orphanet 2590, MedGen C1834569, MONDO:0008045, OMIM 159950.

Submissions (2):

Labcorp Genetics (formerly Invitae), Labcorp
Classification: Pathogenic. Last evaluated: 2024-06-04. Review status: criteria provided, single submitter. Criteria: Invitae Variant Classification Sherloc (09022015). Collection method: clinical testing. Allele origin: germline.
Comment: This sequence change creates a premature translational stop signal (p.Tyr59*) in the ASAH1 gene. It is expected to result in an absent or disrupted protein product. Loss-of-function variants in ASAH1 are known to be pathogenic (PMID: 24164096, 24355074). This variant is not present in population databases (gnomAD no frequency). This premature translational stop signal has been observed in individual(s) with clinical features of spinal muscular atrophy (PMID: 25847462). ClinVar contains an entry for this variant (Variation ID: 812470). Algorithms developed to predict the effect of sequence changes on RNA splicing suggest that this variant may disrupt the consensus splice site. For these reasons, this variant has been classified as Pathogenic.

Medical Affairs, Dicerna Pharmaceuticals
Classification: Likely pathogenic for Spinal muscular atrophy-progressive myoclonic epilepsy syndrome. Last evaluated: 2019-06-19. Review status: criteria provided, single submitter. Criteria: ACMG Guidelines, 2015. Collection method: literature only. Allele origin: maternal, inherited. Inheritance: Autosomal recessive inheritance. Affected: yes. Observed: 1 variant allele.
Comment: Variant c.177C>G has been classified as likely pathogenic. A muscle biopsy was conducted and showed typical signs of neurogenic damage with large groups of severely atrophic fibers (mainly type II) alternated to aggregates of hypertrophic fibers (type I), without evidence of ragged red fibers as expected in SMA-PME. Although variant c.177C>G is novel, it did show biparental segregation. Additionally, no variants were detected the the SMN1 gene or through additional genetic investigations, including search for mutations for myoclonic epilepsy associated with ragged red fibers (MERRF), mitochondrial myopathy-encephalopathy-lactic acidosis-stroke like episodes (MELAS), neuropathy- ataxia-retinitis pigmentosa (NARP), Unverricht- Lundborg disease, Lafora disease, G14459A/ND6 for Leber hereditary optic neuropathy/dystonia/Leigh disease, polymerase gamma (POLG1), progressive external ophthalmoplegia, succinate-CoA ligase, ADP-forming, beta subunit (SUCLA2), succinate-CoA ligase, alpha subunit (SUCL1G), thymidine kinase 2 (TK2), ribonucleotide reductase M2 B (RRM2b), MpV17 mitochondrial inner membrane protein, deoxyguanosine kinase (DGUOK) genes.

Literature cited by the submitters: PubMed 24164096 (cited by Labcorp Genetics (formerly Invitae), Labcorp); PubMed 24355074 (cited by Labcorp Genetics (formerly Invitae), Labcorp); PubMed 25847462 (cited by Labcorp Genetics (formerly Invitae), Labcorp); DOI 10.1111/epi.12977 (cited by Medical Affairs, Dicerna Pharmaceuticals).